The following is an entry in ClinVar:

ClinVar aggregate classification (germline): Uncertain significance (1 of 4 stars; one submission).

Conditions:
Peutz-Jeghers syndrome (PJS). Also called: Periorificial lentiginosis syndrome; POLYPOSIS, HAMARTOMATOUS INTESTINAL; POLYPS-AND-SPOTS SYNDROME; Peutz-Jeghers polyposis. Identifiers: Orphanet 2869, MedGen C0031269, MeSH D010580, MONDO:0008280, OMIM 175200.

Submission:

Labcorp Genetics (formerly Invitae), Labcorp
Classification: Uncertain significance for Peutz-Jeghers syndrome. Last evaluated: 2023-05-11. Review status: criteria provided, single submitter. Criteria: Invitae Variant Classification Sherloc (09022015). Collection method: clinical testing. Allele origin: germline.
Comment: Advanced modeling of protein sequence and biophysical properties (such as structural, functional, and spatial information, amino acid conservation, physicochemical variation, residue mobility, and thermodynamic stability) performed at Invitae indicates that this missense variant is expected to disrupt STK11 protein function. This sequence change replaces glutamine, which is neutral and polar, with arginine, which is basic and polar, at codon 159 of the STK11 protein (p.Gln159Arg). This variant is not present in population databases (gnomAD no frequency). This variant has not been reported in the literature in individuals affected with STK11-related conditions. In summary, the available evidence is currently insufficient to determine the role of this variant in disease. Therefore, it has been classified as a Variant of Uncertain Significance.

NM_000455.5(STK11):c.476A>G (p.Gln159Arg)

Gene: STK11 (serine/threonine kinase 11; plus strand). Cytogenetic location: 19p13.3.
Variant type: single nucleotide variant.
Coding change: c.476A>G on transcript NM_000455.5 (MANE Select); coding-DNA position 476, A replaced by G.
Protein change: p.Gln159Arg; replaces glutamine 159 with arginine.
Molecular consequence: missense variant. On other transcripts: non-coding transcript variant (1).
Genome position (GRCh38, 1-based): chr19:1,220,384, A>G. VCF-style: chr19-1220384-A-G. GRCh37 (hg19) VCF-style: chr19-1220383-A-G.
Other names: c.476A>G, p.Gln159Arg (NM_001407255.1); short protein forms Q159R.
Identifiers: ClinVar variation 2862985 (VCV002862985.3), dbSNP rs2145424139, ClinGen allele CA402948815.